The following is an entry in ClinVar:

NM_006361.6(HOXB13):c.75G>A (p.Arg25=)

Gene: HOXB13 (homeobox B13; minus strand). Cytogenetic location: 17q21.32.
Variant type: single nucleotide variant.
Coding change: c.75G>A on transcript NM_006361.6 (MANE Select); coding-DNA position 75, G replaced by A.
Protein change: p.Arg25=; no amino-acid change (arginine 25 retained).
Molecular consequence: synonymous variant.
Genome position (GRCh38, 1-based): chr17:48,728,519, C>T on the plus strand (G>A on the coding strand, the complement: HOXB13 is on the minus strand). VCF-style: chr17-48728519-C-T. GRCh37 (hg19) VCF-style: chr17-46805881-C-T.
Identifiers: ClinVar variation 1106778 (VCV001106778.12), dbSNP rs1053531133, ClinGen allele CA291350941.
Genomic context (GRCh38, chr17:48,728,519, plus strand): 5'-AGCAGGCATCAGCGTAGGCGCCGCTGGGTGGCTGGTCAGAGGGGAGTGGGCGACCAGATT[C>T]CGCCCCCCTCCCGCTCCCAGCAAGCCTTCGATATCCTTGGCTCCATCCAAGGTGGCATAA-3'
Protein context (NP_006352.2, residues 15-35): IEGLLGAGGG[Arg25=]NLVAHSPLTS

ClinVar aggregate classification (germline): Benign/Likely benign. Review status: criteria provided, multiple submitters, no conflicts (2 of 4 stars). 3 submissions from 3 submitters: Benign (1); Likely benign (2). Last evaluated 2025-10-09.

Conditions:
Prostate cancer, hereditary, 9 (HPC9). Identifiers: Orphanet 1331, MedGen C1970250, MONDO:0012597, OMIM 610997.
Hereditary cancer-predisposing syndrome. Also called: Tumor predisposition; Neoplastic Syndromes, Hereditary; Hereditary Cancer Syndrome; Hereditary neoplastic syndrome. Identifiers: Orphanet 140162, MedGen C0027672, MeSH D009386, MONDO:0015356.

Allele frequency attached by ClinVar (database versions not stated): TOPMed 0.00002.

Submissions (3):

Labcorp Genetics (formerly Invitae), Labcorp
Classification: Likely benign. Last evaluated: 2025-10-09. Review status: criteria provided, single submitter. Criteria: Invitae Variant Classification Sherloc (09022015). Collection method: clinical testing. Allele origin: germline.

Myriad Genetics, Inc.
Classification: Benign for Prostate cancer, hereditary, 9. Last evaluated: 2024-10-28. Review status: criteria provided, single submitter. Criteria: Myriad Autosomal Dominant, Autosomal Recessive and X-Linked Classification Criteria (2023). Collection method: clinical testing. Allele origin: unknown.
Comment: This variant is considered benign. This variant is a silent/synonymous amino acid change and it is not expected to impact splicing.

Ambry Genetics
Classification: Likely benign for Hereditary cancer-predisposing syndrome. Last evaluated: 2020-01-15. Review status: criteria provided, single submitter. Criteria: Ambry Variant Classification Scheme 2023. Collection method: clinical testing. Allele origin: germline.